The following is an entry in ClinVar:

NM_001377.3(DYNC2H1):c.7784A>G (p.His2595Arg)

Gene: DYNC2H1 (dynein cytoplasmic 2 heavy chain 1; plus strand). Cytogenetic location: 11q22.3.
Variant type: single nucleotide variant.
Coding change: c.7784A>G on transcript NM_001377.3 (MANE Select); coding-DNA position 7784, A replaced by G.
Protein change: p.His2595Arg; replaces histidine 2595 with arginine.
Molecular consequence: missense variant.
Genome position (GRCh38, 1-based): chr11:103,198,008, A>G. VCF-style: chr11-103198008-A-G. GRCh37 (hg19) VCF-style: chr11-103068737-A-G.
Other names: p.HIs2595Arg; c.7784A>G, p.His2595Arg (NM_001080463.2); short protein forms H2595R.
Identifiers: ClinVar variation 429025 (VCV000429025.10), dbSNP rs755505546, ClinGen allele CA6254332.

ClinVar aggregate classification (germline): Conflicting classifications of pathogenicity. Review status: criteria provided, conflicting classifications (1 of 4 stars). 4 submissions from 4 submitters: Pathogenic (2); Likely pathogenic (1); Uncertain significance (1). Last evaluated 2025-01-21.

Conditions:
Jeune thoracic dystrophy. Also called: Jeune syndrome; Infantile thoracic dystrophy; Thoracic pelvic phalangeal dystrophy; Jeune's syndrome; Chondroectodermal dysplasia-like syndrome; Short-rib thoracic dysplasia. Identifiers: Orphanet 474, MedGen C0265275, MONDO:0018770.
Asphyxiating thoracic dystrophy 3. Also called: Saldino-Noonan Syndrome; SHORT-RIB THORACIC DYSPLASIA 3 WITH OR WITHOUT POLYDACTYLY; POLYDACTYLY WITH NEONATAL CHONDRODYSTROPHY, TYPE I; SHORT-RIB THORACIC DYSPLASIA 3/6 WITH POLYDACTYLY, DIGENIC; Short rib polydactyly syndrome 2B. Identifiers: Orphanet 474, Orphanet 93269, Orphanet 93270, Orphanet 93271, MedGen C0036069, MONDO:0013127, OMIM 613091.

Allele frequency attached by ClinVar (database versions not stated): ExAC below 0.00001; gnomAD exomes 0.00001 and 0.00003.
gnomAD v4.1: 19 of 1,557,628 alleles (0.0012%); highest among the groups gnomAD compares: South Asian, 0.018%; 1 homozygote.

Submissions (4):

3billion
Classification: Likely pathogenic for Asphyxiating thoracic dystrophy 3. Last evaluated: 2025-01-21. Review status: criteria provided, single submitter. Criteria: ACMG Guidelines, 2015. Collection method: clinical testing. Allele origin: germline. Affected: yes.
Comment: The variant is observed at an extremely low frequency in the gnomAD v4.1.0 dataset (total allele frequency: 0.001%). Predicted Consequence/Location: Missense variant. The majority of the known disease-causing variants of this gene are variants expected to result in premature termination of the protein. In silico tool predictions suggest no damaging effect of the variant on gene or gene product [REVEL: 0.13 (<0.4); 3Cnet: 0.02 (<0.15, specificity 0.78 and negative predictive value 0.92)]. The same nucleotide change resulting in the same amino acid change has been previously reported to be associated with DYNC2H1-related disorder (ClinVar ID: VCV000429025).The variant has been reported to be in trans with a pathogenic variant as either compound heterozygous or homozygous in at least one similarly affected unrelated individuals (PMID: 35587316). Therefore, this variant is classified as Likely pathogenic according to the recommendation of ACMG/AMP guideline.

Labcorp Genetics (formerly Invitae), Labcorp
Classification: Pathogenic for Jeune thoracic dystrophy. Last evaluated: 2024-08-12. Review status: criteria provided, single submitter. Criteria: Invitae Variant Classification Sherloc (09022015). Collection method: clinical testing. Allele origin: germline.
Comment: This sequence change replaces histidine, which is basic and polar, with arginine, which is basic and polar, at codon 2595 of the DYNC2H1 protein (p.His2595Arg). This variant is present in population databases (rs755505546, gnomAD 0.02%). This missense change has been observed in individual(s) with clinical features of short-rib polydactyly syndrome (PMID: 33694158, 35587316; Invitae). In at least one individual the data is consistent with being in trans (on the opposite chromosome) from a pathogenic variant. ClinVar contains an entry for this variant (Variation ID: 429025). Advanced modeling of protein sequence and biophysical properties (such as structural, functional, and spatial information, amino acid conservation, physicochemical variation, residue mobility, and thermodynamic stability) performed at Invitae indicates that this missense variant is not expected to disrupt DYNC2H1 protein function with a negative predictive value of 95%. For these reasons, this variant has been classified as Pathogenic.

Foundation for Research in Genetics and Endocrinology, FRIGE's Institute of Human Genetics
Classification: Uncertain significance for Asphyxiating thoracic dystrophy 3. Last evaluated: 2022-09-15. Review status: criteria provided, single submitter. Criteria: ACMG Guidelines, 2015. Collection method: clinical testing. Allele origin: germline. Inheritance: Autosomal recessive inheritance. Affected: yes. Observed: 1 heterozygote.
Comment: A heterozygous variation in exon 48 of the DYNC2H1 gene that results in the amino acid substitution of Arginine for Histidine at codon 2595 was detected. The observed variant has not been reported in the 1000 genomes and gnomAD databases. The reference codon is conserved across species.

Diagnostics Division, CENTRE FOR DNA FINGERPRINTING AND DIAGNOSTICS
Classification: Pathogenic for Asphyxiating thoracic dystrophy 3. Review status: criteria provided, single submitter. Criteria: ACMG Guidelines, 2015. Collection method: research. Allele origin: germline. Inheritance: Autosomal recessive inheritance. Affected: yes. Observed: 1 compound heterozygote.

Literature cited by the submitters: PubMed 35587316 (cited by 3billion and Labcorp Genetics (formerly Invitae), Labcorp); PubMed 33694158 (cited by Labcorp Genetics (formerly Invitae), Labcorp).